The following is an entry in ClinVar:

ClinVar aggregate classification (germline): Uncertain significance (1 of 4 stars; one submission).

Allele frequency attached by ClinVar (database versions not stated): gnomAD exomes below 0.00001; TOPMed below 0.00001.
gnomAD v4.1: 5 of 1,606,810 alleles (0.00031%); highest among the groups gnomAD compares: Non-Finnish European, 0.00043%; no homozygotes.

Submission:

Labcorp Genetics (formerly Invitae), Labcorp
Classification: Uncertain significance. Last evaluated: 2024-12-31. Review status: criteria provided, single submitter. Criteria: Invitae Variant Classification Sherloc (09022015). Collection method: clinical testing. Allele origin: germline.
Comment: This sequence change replaces proline, which is neutral and non-polar, with serine, which is neutral and polar, at codon 1042 of the TAOK2 protein (p.Pro1042Ser). This variant is not present in population databases (gnomAD no frequency). This variant has not been reported in the literature in individuals affected with TAOK2-related conditions. ClinVar contains an entry for this variant (Variation ID: 1905488). An algorithm developed to predict the effect of missense changes on protein structure and function (PolyPhen-2) suggests that this variant is likely to be disruptive. In summary, the available evidence is currently insufficient to determine the role of this variant in disease. Therefore, it has been classified as a Variant of Uncertain Significance.

NM_016151.4(TAOK2):c.3124C>T (p.Pro1042Ser)

Gene: TAOK2 (TAO kinase 2; plus strand). Cytogenetic location: 16p11.2.
Variant type: single nucleotide variant.
Coding change: c.3124C>T on transcript NM_016151.4 (MANE Select); coding-DNA position 3124, C replaced by T.
Protein change: p.Pro1042Ser; replaces proline 1042 with serine.
Molecular consequence: missense variant. On other transcripts: intron variant (1).
Genome position (GRCh38, 1-based): chr16:29,987,396, C>T. VCF-style: chr16-29987396-C-T. GRCh37 (hg19) VCF-style: chr16-29998717-C-T.
Other names: c.2785C>T, p.Pro929Ser (NM_001252043.2); c.2232+892C>T (NM_004783.4); short protein forms P1042S, P929S.
Identifiers: ClinVar variation 1905488 (VCV001905488.5), dbSNP rs2069840356, ClinGen allele CA395498416.